The following is an entry in ClinVar:

NM_000393.5(COL5A2):c.521G>A (p.Gly174Glu)

Gene: COL5A2 (collagen type V alpha 2 chain; minus strand). Cytogenetic location: 2q32.2.
Variant type: single nucleotide variant.
Coding change: c.521G>A on transcript NM_000393.5 (MANE Select); coding-DNA position 521, G replaced by A.
Protein change: p.Gly174Glu; replaces glycine 174 with glutamic acid.
Molecular consequence: missense variant.
Genome position (GRCh38, 1-based): chr2:189,092,356, C>T on the plus strand (G>A on the coding strand, the complement: COL5A2 is on the minus strand). VCF-style: chr2-189092356-C-T. GRCh37 (hg19) VCF-style: chr2-189957082-C-T.
Other names: short protein forms G174E.
Identifiers: ClinVar variation 5006179 (VCV005006179.2).

ClinVar aggregate classification (germline): Uncertain significance (1 of 4 stars; one submission).

Conditions:
Ehlers-Danlos syndrome, classic type, 2 (EDSCL2). Also called: Ehlers-Danlos syndrome, type 2; Ehlers-Danlos syndrome type 2 (formerly); Ehlers-Danlos Syndrome, Classic Type, COL5A2-Related. Identifiers: Orphanet 287, Orphanet 90318, MedGen C0268336, MONDO:0019568, OMIM 130010.

Submission:

Juno Genomics, Hangzhou Juno Genomics, Inc
Classification: Uncertain significance for Ehlers-Danlos syndrome, classic type, 2. Review status: criteria provided, single submitter. Criteria: ACMG Guidelines, 2015. Collection method: clinical testing. Allele origin: germline.
Comment: Absent from controls (or at extremely low frequency if recessive) in Genome Aggregation Database.;Multiple lines of computational evidence support a deleterious effect on the gene or gene product.